The following is an entry in ClinVar:

NM_000535.7(PMS2):c.100_112del (p.Ser34fs)

Gene: PMS2 (PMS1 homolog 2, mismatch repair system component; minus strand). Cytogenetic location: 7p22.1.
Variant type: Deletion.
Coding change: c.100_112del on transcript NM_000535.7 (MANE Select); coding-DNA positions 100 to 112, 13 bases deleted (AGTCTAAGCACTG).
Protein change: p.Ser34fs; shifts the reading frame from serine 34.
Molecular consequence: frameshift variant. On other transcripts: 5 prime UTR variant (38), non-coding transcript variant (1), intron variant (7).
Genome position (GRCh38, 1-based): chr7:6,005,943-6,005,955, CAGTGCTTAGACT deleted on the plus strand (AGTCTAAGCACTG on the coding strand, the reverse complement: PMS2 is on the minus strand); deleting any 13 consecutive bases within chr7:6,005,943-6,005,959 gives the same sequence; the c. name uses the placement nearest the transcript's 3' end. VCF-style (leftmost placement, unchanged base first): chr7-6005942-GCAGTGCTTAGACT-G. GRCh37 (hg19) VCF-style: chr7-6045573-GCAGTGCTTAGACT-G.
Other names: c.-310_-298delACTGAGTCTAAGC (NM_001018040.1); c.-306_-294del (NM_001322003.2, NM_001322005.2, NM_001322009.2 and 10 more transcripts); c.100_112del, p.Ser34fs (NM_001322006.2, NM_001322014.2, NM_001406868.1 and 10 more transcripts); c.-116_-104del (NM_001322007.2, NM_001406876.1, NM_001406883.1 and 4 more transcripts); c.-785_-773del (NM_001322011.2, NM_001322012.2); c.-385_-373del (NM_001322015.2, NM_001406875.1, NM_001406877.1 and 2 more transcripts); c.286_298del, p.Ser96fs (NM_001406866.1); c.-332_-320del (NM_001406880.1); and 8 more; short protein forms S34fs, S96fs.
Identifiers: ClinVar variation 2674261 (VCV002674261.1), dbSNP rs2536585374, ClinGen allele CA2695198452.
Genomic context (GRCh38, chr7:6,005,942, plus strand): 5'-CCAAACTTACCAATATTAGTGGCACCAGCATCCAGACTGTTTTCTACTAACTCCTTTACC[GCAGTGCTTAGACT>G]CAGTACCACCTGCCCAGAGCAAATCTGATGGACTGACTTCCGATCAATAGGTTTGATGGC-3'

ClinVar aggregate classification (germline): Pathogenic (1 of 4 stars; one submission).

Conditions:
Lynch syndrome 4 (LYNCH4). Also called: Hereditary non-polyposis colorectal cancer, type 4; Colorectal cancer, hereditary nonpolyposis, type 4. Identifiers: Orphanet 144, MedGen C1838333, MONDO:0013699, OMIM 614337. Disease mechanism: loss of function.

Submission:

Myriad Genetics, Inc.
Classification: Pathogenic for Lynch syndrome 4. Last evaluated: 2023-09-18. Review status: criteria provided, single submitter. Criteria: Myriad Autosomal Dominant, Autosomal Recessive and X-Linked Classification Criteria (2023). Collection method: clinical testing. Allele origin: unknown.
Comment: This variant is considered pathogenic. This variant creates a frameshift predicted to result in premature protein truncation.